The following is an entry in ClinVar:

NM_001005242.3(PKP2):c.1784C>A (p.Thr595Asn)

Gene: PKP2 (plakophilin 2; minus strand). Cytogenetic location: 12p11.21.
Variant type: single nucleotide variant.
Coding change: c.1784C>A on transcript NM_001005242.3 (MANE Select); coding-DNA position 1784, C replaced by A.
Protein change: p.Thr595Asn; replaces threonine 595 with asparagine.
Molecular consequence: missense variant.
Genome position (GRCh38, 1-based): chr12:32,822,522, G>T on the plus strand (C>A on the coding strand, the complement: PKP2 is on the minus strand). VCF-style: chr12-32822522-G-T. GRCh37 (hg19) VCF-style: chr12-32975456-G-T.
Other names: c.1916C>A, p.Thr639Asn (NM_004572.4); short protein forms T639N, T595N.
Identifiers: ClinVar variation 644102 (VCV000644102.11), dbSNP rs1354122232, ClinGen allele CA384362942.
Genomic context (GRCh38, chr12:32,822,522, plus strand): 5'-TATACCTCTTTTACTTTCCTGCTTCGACTGCCAAAACATCCAATACTTTTGTTGTTGTCA[G>T]TCTGGATATTCCGGTTTTGAATATAGATATTCTGGGAATATTTCTCTGGGAGCTCTGCCT-3'
Protein context (NP_001005242.2, residues 585-605): NIYIQNRNIQ[Thr595Asn]DNNKSIGCFG

ClinVar aggregate classification (germline): Conflicting classifications of pathogenicity. Review status: criteria provided, conflicting classifications (1 of 4 stars). 3 submissions from 3 submitters: Uncertain significance (2); Likely benign (1). Last evaluated 2025-01-21.

Conditions:
Cardiovascular phenotype. Identifiers: MedGen CN230736.
Cardiomyopathy (CMYO). Also called: Cardiomyopathies. Identifiers: Orphanet 167848, MedGen C0878544, MONDO:0004994, HP:0001638. Inheritance: Various modes of inheritance.
Arrhythmogenic right ventricular dysplasia 9 (ARVD9). Also called: Arrhythmogenic Right Ventricular Dysplasia/Cardiomyopathy 9; ARRHYTHMOGENIC RIGHT VENTRICULAR DYSPLASIA, FAMILIAL, 9. Identifiers: MedGen C1836906, MONDO:0012180, OMIM 609040.

Allele frequency attached by ClinVar (database versions not stated): gnomAD 0.00001; TOPMed 0.00001.
gnomAD v4.1: 3 of 1,613,966 alleles (0.00019%); highest among the groups gnomAD compares: African/African-American, 0.0013%; no homozygotes.

Submissions (3):

Labcorp Genetics (formerly Invitae), Labcorp
Classification: Uncertain significance for Arrhythmogenic right ventricular dysplasia 9. Last evaluated: 2025-01-21. Review status: criteria provided, single submitter. Criteria: Invitae Variant Classification Sherloc (09022015). Collection method: clinical testing. Allele origin: germline.
Comment: This sequence change replaces threonine, which is neutral and polar, with asparagine, which is neutral and polar, at codon 639 of the PKP2 protein (p.Thr639Asn). This variant is not present in population databases (gnomAD no frequency). This variant has not been reported in the literature in individuals affected with PKP2-related conditions. ClinVar contains an entry for this variant (Variation ID: 644102). An algorithm developed to predict the effect of missense changes on protein structure and function (PolyPhen-2) suggests that this variant is likely to be tolerated. In summary, the available evidence is currently insufficient to determine the role of this variant in disease. Therefore, it has been classified as a Variant of Uncertain Significance.

Ambry Genetics
Classification: Likely benign for Cardiovascular phenotype. Last evaluated: 2024-02-29. Review status: criteria provided, single submitter. Criteria: Ambry Variant Classification Scheme 2023. Collection method: clinical testing. Allele origin: germline.

Color Diagnostics, LLC DBA Color Health
Classification: Uncertain significance for Cardiomyopathy. Last evaluated: 2023-12-06. Review status: criteria provided, single submitter. Criteria: ACMG Guidelines, 2015. Collection method: clinical testing. Allele origin: germline.
Comment: This missense variant replaces threonine with asparagine at codon 639 of the PKP2 protein. Computational prediction suggests that this variant may not impact protein structure and function. To our knowledge, functional studies have not been reported for this variant. This variant has not been reported in individuals affected with PKP2-related disorders in the literature. This variant has not been identified in the general population by the Genome Aggregation Database (gnomAD). The available evidence is insufficient to determine the role of this variant in disease conclusively. Therefore, this variant is classified as a Variant of Uncertain Significance.